The following is an entry in ClinVar:

ClinVar aggregate classification (germline): Uncertain significance. Review status: criteria provided, multiple submitters, no conflicts (2 of 4 stars). 3 submissions from 3 submitters: Uncertain significance (3). Last evaluated 2026-02-05.

Conditions:
Hereditary cancer-predisposing syndrome. Also called: Tumor predisposition; Hereditary neoplastic syndrome; Neoplastic Syndromes, Hereditary; Hereditary Cancer Syndrome. Identifiers: Orphanet 140162, MedGen C0027672, MeSH D009386, MONDO:0015356.
Mitochondrial complex II deficiency, nuclear type 1. Also called: SUCCINATE CoQ REDUCTASE DEFICIENCY. Identifiers: Orphanet 3208, MedGen C5700310, MONDO:0100294, OMIM 252011.
Pheochromocytoma/paraganglioma syndrome 5. Also called: Paragangliomas 5; SDHA-Related Hereditary Paraganglioma-Pheochromocytoma Syndrome. Identifiers: Orphanet 29072, MedGen C3279992, MONDO:0013602, OMIM 614165.
Dilated cardiomyopathy 1GG (CMD1GG). Identifiers: Orphanet 154, MedGen C3150898, MONDO:0013339, OMIM 613642.

Allele frequency attached by ClinVar (database versions not stated): gnomAD exomes below 0.00001.
gnomAD v4.1: 1 of 1,613,982 alleles (0.000062%); highest among the groups gnomAD compares: Non-Finnish European, 0.000085%; no homozygotes.

Submissions (3):

Ambry Genetics
Classification: Uncertain significance for Hereditary cancer-predisposing syndrome. Last evaluated: 2026-02-05. Review status: criteria provided, single submitter. Criteria: Ambry Variant Classification Scheme 2023. Collection method: clinical testing. Allele origin: germline.
Comment: The p.D459G variant (also known as c.1376A>G), located in coding exon 10 of the SDHA gene, results from an A to G substitution at nucleotide position 1376. The aspartic acid at codon 459 is replaced by glycine, an amino acid with similar properties. This amino acid position is highly conserved in available vertebrate species. In addition, this alteration is predicted to be deleterious by in silico analysis. Based on the available evidence, the clinical significance of this variant remains unclear.

Labcorp Genetics (formerly Invitae), Labcorp
Classification: Uncertain significance for Pheochromocytoma/paraganglioma syndrome 5; Mitochondrial complex II deficiency, nuclear type 1. Last evaluated: 2025-06-24. Review status: criteria provided, single submitter. Criteria: Invitae Variant Classification Sherloc (09022015). Collection method: clinical testing. Allele origin: germline.
Comment: This sequence change replaces aspartic acid, which is acidic and polar, with glycine, which is neutral and non-polar, at codon 459 of the SDHA protein (p.Asp459Gly). This variant is not present in population databases (gnomAD no frequency). This variant has not been reported in the literature in individuals affected with SDHA-related conditions. ClinVar contains an entry for this variant (Variation ID: 1055638). Invitae Evidence Modeling of protein sequence and biophysical properties (such as structural, functional, and spatial information, amino acid conservation, physicochemical variation, residue mobility, and thermodynamic stability) has been performed for this missense variant. However, the output from this modeling did not meet the statistical confidence thresholds required to predict the impact of this variant on SDHA protein function. In summary, the available evidence is currently insufficient to determine the role of this variant in disease. Therefore, it has been classified as a Variant of Uncertain Significance.

Baylor Genetics
Classification: Uncertain significance for Dilated cardiomyopathy 1GG. Last evaluated: 2023-12-19. Review status: criteria provided, single submitter. Criteria: ACMG Guidelines, 2015. Collection method: clinical testing. Allele origin: unknown.

NM_004168.4(SDHA):c.1376A>G (p.Asp459Gly)

Gene: SDHA (succinate dehydrogenase complex flavoprotein subunit A; plus strand). Cytogenetic location: 5p15.33.
Variant type: single nucleotide variant.
Coding change: c.1376A>G on transcript NM_004168.4 (MANE Select); coding-DNA position 1376, A replaced by G.
Protein change: p.Asp459Gly; replaces aspartic acid 459 with glycine.
Molecular consequence: missense variant.
Genome position (GRCh38, 1-based): chr5:236,543, A>G. VCF-style: chr5-236543-A-G. GRCh37 (hg19) VCF-style: chr5-236658-A-G.
Other names: c.1232A>G, p.Asp411Gly (NM_001294332.2); c.1376A>G, p.Asp459Gly (NM_001330758.2); c.1376A>G (NM_004168.2); short protein forms D411G, D459G.
Identifiers: ClinVar variation 1055638 (VCV001055638.16), dbSNP rs2126590273, ClinGen allele CA359014032.
Genomic context (GRCh38, chr5:236,543, plus strand): 5'-GGGAGGCCGCCTGTGCCTCGGTACATGGTGCCAACCGCCTCGGGGCAAACTCGCTCTTGG[A>G]CCTGGTTGTCTTTGGTCGGGCATGTGCCCTGAGCATCGAAGAGTCATGCAGGCCTGGTAA-3'
Protein context (NP_004159.2, residues 449-469): ANRLGANSLL[Asp459Gly]LVVFGRACAL